The following is an entry in ClinVar:

ClinVar aggregate classification (germline): Benign/Likely benign. Review status: criteria provided, multiple submitters, no conflicts (2 of 4 stars). 5 submissions from 5 submitters: Benign (1); Likely benign (3). 1 of the submissions does not count toward it. Last evaluated 2024-12-30.

Conditions:
Hereditary cancer-predisposing syndrome. Also called: Tumor predisposition; Neoplastic Syndromes, Hereditary; Hereditary Cancer Syndrome; Hereditary neoplastic syndrome. Identifiers: Orphanet 140162, MedGen C0027672, MeSH D009386, MONDO:0015356.
Malignant tumor of breast. Also called: Malignant breast neoplasm; Cancer breast. Identifiers: MedGen C0006142, MONDO:0007254. Disease mechanism: loss of function.
Familial cancer of breast. Also called: BREAST CANCER, FAMILIAL; Hereditary breast cancer; hereditary breast carcinoma. Identifiers: Orphanet 227535, MedGen C0346153, MONDO:0016419, OMIM 114480. Disease mechanism: loss of function.
Ataxia-telangiectasia syndrome (AT). Also called: ATAXIA-TELANGIECTASIA, COMPLEMENTATION GROUP A; ATAXIA-TELANGIECTASIA, FRESNO VARIANT; LOUIS-BAR SYNDROME; Ataxia telangiectasia (A-T); Cerebello-oculocutaneous telangiectasia; Immunodeficiency with ataxia telangiectasia. Identifiers: Orphanet 100, MedGen C0004135, MONDO:0008840, OMIM 208900.

Submissions (5):

Labcorp Genetics (formerly Invitae), Labcorp
Classification: Likely benign for Ataxia-telangiectasia syndrome. Last evaluated: 2024-12-30. Review status: criteria provided, single submitter. Criteria: Invitae Variant Classification Sherloc (09022015). Collection method: clinical testing. Allele origin: germline.

Myriad Genetics, Inc.
Classification: Benign for Familial cancer of breast. Last evaluated: 2024-05-17. Review status: criteria provided, single submitter. Criteria: Myriad Autosomal Dominant, Autosomal Recessive and X-Linked Classification Criteria (2023). Collection method: clinical testing. Allele origin: unknown.
Comment: This variant is considered benign. This variant is a silent/synonymous amino acid change and it is not expected to impact splicing.

Ambry Genetics
Classification: Likely benign for Hereditary cancer-predisposing syndrome. Last evaluated: 2020-05-22. Review status: criteria provided, single submitter. Criteria: Ambry Variant Classification Scheme 2023. Collection method: clinical testing. Allele origin: germline.

Color Diagnostics, LLC DBA Color Health
Classification: Likely benign for Hereditary cancer-predisposing syndrome. Last evaluated: 2018-04-09. Review status: criteria provided, single submitter. Criteria: ACMG Guidelines, 2015. Collection method: clinical testing. Allele origin: germline.

Department of Pathology and Laboratory Medicine, Sinai Health System
Classification: Likely benign for Malignant tumor of breast. Review status: no assertion criteria provided. Collection method: clinical testing. Allele origin: unknown. Affected: yes. Study: The Canadian Open Genetics Repository (COGR). Not counted in ClinVar's aggregate classification.
Comment: The ATM p.Asp1413= variant was not identified in the literature nor was it identified in the dbSNP, ClinVar or LOVD 3.0 databases. The variant was not identified in the following control databases: the Exome Aggregation Consortium (August 8th 2016) or the Genome Aggregation Database (Feb 27, 2017). The p.Asp1413= variant is not expected to have clinical significance because it does not result in a change of amino acid, is not located in a known consensus splice site, and the nucleotide is not highly conserved. In addition, in silico or computational prediction software programs (SpliceSiteFinder, MaxEntScan, NNSPLICE, GeneSplicer) do not predict a difference in splicing. In summary, based on the above information, the clinical significance of this variant cannot be determined with certainty at this time although we would lean towards a more benign role for this variant. This variant is classified as likely benign.

NM_000051.4(ATM):c.4239T>C (p.Asp1413=)

Gene: ATM (ATM serine/threonine kinase; plus strand). Cytogenetic location: 11q22.3.
Variant type: single nucleotide variant.
Coding change: c.4239T>C on transcript NM_000051.4 (MANE Select); coding-DNA position 4239, T replaced by C.
Protein change: p.Asp1413=; no amino-acid change (aspartic acid 1413 retained).
Molecular consequence: synonymous variant.
Genome position (GRCh38, 1-based): chr11:108,289,604, T>C. VCF-style: chr11-108289604-T-C. GRCh37 (hg19) VCF-style: chr11-108160331-T-C.
Other names: c.4239T>C, p.Asp1413= (NM_001351834.2).
Identifiers: ClinVar variation 628155 (VCV000628155.15), dbSNP rs1565455938, ClinGen allele CA476673795.